The following is an entry in ClinVar:

ClinVar aggregate classification (germline): Pathogenic/Likely pathogenic. Review status: criteria provided, multiple submitters, no conflicts (2 of 4 stars). 2 submissions from 2 submitters: Pathogenic (1); Likely pathogenic (1). Last evaluated 2024-08-07.

Conditions:
Neurodegeneration with brain iron accumulation 5 (NBIA5). Also called: Beta-propeller protein-associated neurodegeneration; STATIC ENCEPHALOPATHY OF CHILDHOOD WITH NEURODEGENERATION IN ADULTHOOD. Identifiers: Orphanet 329284, MedGen C3550973, MONDO:0010476, OMIM 300894.

Submissions (2):

Labcorp Genetics (formerly Invitae), Labcorp
Classification: Likely pathogenic for Neurodegeneration with brain iron accumulation 5. Last evaluated: 2024-08-07. Review status: criteria provided, single submitter. Criteria: Invitae Variant Classification Sherloc (09022015). Collection method: clinical testing. Allele origin: germline.
Comment: This sequence change affects an acceptor splice site in intron 11 of the WDR45 gene. While this variant is not anticipated to result in nonsense mediated decay, it likely alters RNA splicing and results in a disrupted protein product. This variant is not present in population databases (gnomAD no frequency). Disruption of this splice site has been observed in individual(s) with WDR45-related conditions (PMID: 34325486). In at least one individual the variant was observed to be de novo. ClinVar contains an entry for this variant (Variation ID: 523624). Variants that disrupt the consensus splice site are a relatively common cause of aberrant splicing (PMID: 17576681, 9536098). Algorithms developed to predict the effect of sequence changes on RNA splicing suggest that this variant may disrupt the consensus splice site. In summary, the currently available evidence indicates that the variant is pathogenic, but additional data are needed to prove that conclusively. Therefore, this variant has been classified as Likely Pathogenic.

Center of Genomic medicine, Geneva, University Hospital of Geneva
Classification: Pathogenic for Neurodegeneration with brain iron accumulation 5. Last evaluated: 2017-11-13. Review status: criteria provided, single submitter. Criteria: ACMG Guidelines, 2015. Collection method: clinical testing. Allele origin: de novo. Affected: yes.

Literature cited by the submitters: PubMed 34325486 (cited by Labcorp Genetics (formerly Invitae), Labcorp); PubMed 17576681 (cited by Labcorp Genetics (formerly Invitae), Labcorp); PubMed 9536098 (cited by Labcorp Genetics (formerly Invitae), Labcorp).

NM_001029896.2(WDR45):c.974-1G>A

Gene: WDR45 (WD repeat domain 45; minus strand). Cytogenetic location: Xp11.23.
Variant type: single nucleotide variant.
Coding change: c.974-1G>A on transcript NM_001029896.2 (MANE Select); the canonical splice acceptor site of the intron before coding-DNA position 974, G replaced by A.
Molecular consequence: splice acceptor variant.
Genome position (GRCh38, 1-based): chrX:49,074,913, C>T on the plus strand (G>A on the coding strand, the complement: WDR45 is on the minus strand). VCF-style: chrX-49074913-C-T. GRCh37 (hg19) VCF-style: chrX-48932572-C-T.
Other names: ?; c.977-1G>A (NM_007075.4).
Identifiers: ClinVar variation 523624 (VCV000523624.5), dbSNP rs1557083830, ClinGen allele CA412941713.